The following is an entry in ClinVar:

ClinVar aggregate classification (germline): Uncertain significance (1 of 4 stars; one submission).

Conditions:
Duchenne muscular dystrophy (DMD). Also called: MUSCULAR DYSTROPHY, PSEUDOHYPERTROPHIC PROGRESSIVE, DUCHENNE TYPE; Duchenne Muscular Dystrophy (DMD). Identifiers: Orphanet 98896, MedGen C0013264, MONDO:0010679, OMIM 310200.

gnomAD v4.1: 1 of 1,209,043 alleles (0.000083%); highest among the groups gnomAD compares: Middle Eastern, 0.023%; no homozygotes.

Submission:

Labcorp Genetics (formerly Invitae), Labcorp
Classification: Uncertain significance for Duchenne muscular dystrophy. Last evaluated: 2024-11-27. Review status: criteria provided, single submitter. Criteria: Invitae Variant Classification Sherloc (09022015). Collection method: clinical testing. Allele origin: germline.
Comment: This sequence change replaces serine, which is neutral and polar, with phenylalanine, which is neutral and non-polar, at codon 1998 of the DMD protein (p.Ser1998Phe). This variant is present in population databases (no rsID available, gnomAD no frequency). This variant has not been reported in the literature in individuals affected with DMD-related conditions. Invitae Evidence Modeling of protein sequence and biophysical properties (such as structural, functional, and spatial information, amino acid conservation, physicochemical variation, residue mobility, and thermodynamic stability) indicates that this missense variant is not expected to disrupt DMD protein function with a negative predictive value of 95%. In summary, the available evidence is currently insufficient to determine the role of this variant in disease. Therefore, it has been classified as a Variant of Uncertain Significance.

NM_004006.3(DMD):c.5993C>T (p.Ser1998Phe)

Gene: DMD (dystrophin; minus strand). Cytogenetic location: Xp21.1.
Variant type: single nucleotide variant.
Coding change: c.5993C>T on transcript NM_004006.3 (MANE Select); coding-DNA position 5993, C replaced by T.
Protein change: p.Ser1998Phe; replaces serine 1998 with phenylalanine.
Molecular consequence: missense variant.
Genome position (GRCh38, 1-based): chrX:32,310,206, G>A on the plus strand (C>T on the coding strand, the complement: DMD is on the minus strand). VCF-style: chrX-32310206-G-A. GRCh37 (hg19) VCF-style: chrX-32328323-G-A.
Other names: c.5969C>T, p.Ser1990Phe (NM_000109.4); c.5981C>T, p.Ser1994Phe (NM_004009.3); c.5624C>T, p.Ser1875Phe (NM_004010.3); c.1970C>T, p.Ser657Phe (NM_004011.4); c.1961C>T, p.Ser654Phe (NM_004012.4); short protein forms S1875F, S1990F, S1994F, S657F, S1998F, S654F.
Identifiers: ClinVar variation 3683528 (VCV003683528.2).